The following is an entry in ClinVar:

ClinVar aggregate classification (germline): Pathogenic (1 of 4 stars; one submission).

Conditions:
Neurofibromatosis, type 1 (NF1). Also called: Peripheral type neurofibromatosis; VON RECKLINGHAUSEN DISEASE; Neurofibromatosis, type I; NEUROFIBROMATOSIS, TYPE I, SOMATIC. Identifiers: Orphanet 636, MedGen C0027831, MONDO:0018975, OMIM 162200. Disease mechanism: loss of function.

Submission:

Labcorp Genetics (formerly Invitae), Labcorp
Classification: Pathogenic for Neurofibromatosis, type 1. Last evaluated: 2024-04-17. Review status: criteria provided, single submitter. Criteria: Invitae Variant Classification Sherloc (09022015). Collection method: clinical testing. Allele origin: germline.
Comment: This sequence change creates a premature translational stop signal (p.Thr107Argfs*58) in the NF1 gene. It is expected to result in an absent or disrupted protein product. Loss-of-function variants in NF1 are known to be pathogenic (PMID: 10712197, 23913538). This variant is not present in population databases (gnomAD no frequency). This variant has not been reported in the literature in individuals affected with NF1-related conditions. For these reasons, this variant has been classified as Pathogenic.

Literature cited by the submitters: PubMed 10712197; PubMed 23913538.

NM_001042492.3(NF1):c.320del (p.Thr107fs)

Gene: NF1 (neurofibromin 1; plus strand). Cytogenetic location: 17q11.2.
Variant type: Deletion.
Coding change: c.320del on transcript NM_001042492.3 (MANE Select); coding-DNA position 320, one base deleted (C; older notation c.320delC).
Protein change: p.Thr107fs; shifts the reading frame from threonine 107.
Molecular consequence: frameshift variant.
Genome position (GRCh38, 1-based): chr17:31,163,217, C deleted. VCF-style (leftmost placement, unchanged base first): chr17-31163216-AC-A. GRCh37 (hg19) VCF-style: chr17-29490234-AC-A.
Other names: c.320delC, p.Thr107Argfs (NM_000267.4); c.320del, p.Thr107fs (NM_001128147.3); short protein forms T107fs.
Identifiers: ClinVar variation 3650180 (VCV003650180.2).